The following is an entry in ClinVar:

NM_032119.4(ADGRV1):c.3818G>A (p.Arg1273Lys)

Gene: ADGRV1 (adhesion G protein-coupled receptor V1; plus strand). Cytogenetic location: 5q14.3.
Variant type: single nucleotide variant.
Coding change: c.3818G>A on transcript NM_032119.4 (MANE Select); coding-DNA position 3818, G replaced by A.
Protein change: p.Arg1273Lys; replaces arginine 1273 with lysine.
Molecular consequence: missense variant. On other transcripts: non-coding transcript variant (1).
Genome position (GRCh38, 1-based): chr5:90,653,392, G>A. VCF-style: chr5-90653392-G-A. GRCh37 (hg19) VCF-style: chr5-89949209-G-A.
Other names: short protein forms R1273K.
Identifiers: ClinVar variation 1492938 (VCV001492938.6), dbSNP rs2149466604, ClinGen allele CA360399204.

ClinVar aggregate classification (germline): Uncertain significance. Review status: criteria provided, multiple submitters, no conflicts (2 of 4 stars). 2 submissions from 2 submitters: Uncertain significance (2). Last evaluated 2022-06-27.

Submissions (2):

Labcorp Genetics (formerly Invitae), Labcorp
Classification: Uncertain significance. Last evaluated: 2022-06-27. Review status: criteria provided, single submitter. Criteria: Invitae Variant Classification Sherloc (09022015). Collection method: clinical testing. Allele origin: germline.
Comment: This sequence change replaces arginine, which is basic and polar, with lysine, which is basic and polar, at codon 1273 of the ADGRV1 protein (p.Arg1273Lys). This variant is not present in population databases (gnomAD no frequency). This variant has not been reported in the literature in individuals affected with ADGRV1-related conditions. Algorithms developed to predict the effect of missense changes on protein structure and function are either unavailable or do not agree on the potential impact of this missense change (SIFT: "Deleterious"; PolyPhen-2: "Benign"; Align-GVGD: "Class C0"). Algorithms developed to predict the effect of sequence changes on RNA splicing suggest that this variant may create or strengthen a splice site. In summary, the available evidence is currently insufficient to determine the role of this variant in disease. Therefore, it has been classified as a Variant of Uncertain Significance.

Blueprint Genetics
Classification: Uncertain significance. Last evaluated: 2019-10-30. Review status: criteria provided, single submitter. Criteria: ACMG Guidelines, 2015. Collection method: clinical testing. Allele origin: germline.